The following is an entry in ClinVar:

NM_003000.3(SDHB):c.643-10G>A

Gene: SDHB (succinate dehydrogenase complex iron sulfur subunit B; minus strand). Cytogenetic location: 1p36.13.
Variant type: single nucleotide variant.
Coding change: c.643-10G>A on transcript NM_003000.3 (MANE Select); 10 bases into the intron before coding-DNA position 643, G replaced by A.
Molecular consequence: intron variant.
Genome position (GRCh38, 1-based): chr1:17,022,740, C>T on the plus strand (G>A on the coding strand, the complement: SDHB is on the minus strand). VCF-style: chr1-17022740-C-T. GRCh37 (hg19) VCF-style: chr1-17349235-C-T.
Identifiers: ClinVar variation 450469 (VCV000450469.9), dbSNP rs1553177293, ClinGen allele CA658656883.

ClinVar aggregate classification (germline): Uncertain significance. Review status: criteria provided, multiple submitters, no conflicts (2 of 4 stars). 2 submissions from 2 submitters: Uncertain significance (2). Last evaluated 2025-12-28.

Conditions:
Pheochromocytoma. Also called: MAX-Related Hereditary Paraganglioma-Pheochromocytoma Syndrome. Identifiers: Orphanet 29072, MedGen C0031511, MONDO:0008233, OMIM 171300, HP:0002666.
Pheochromocytoma/paraganglioma syndrome 4. Also called: SDHB-Related Hereditary Paraganglioma-Pheochromocytoma Syndrome (Paragangliomas 4); CAROTID BODY TUMORS AND MULTIPLE EXTRAADRENAL PHEOCHROMOCYTOMAS; PARAGANGLIOMA, FAMILIAL MALIGNANT; PARAGANGLIOMAS, HEREDITARY EXTRAADRENAL; SDHB-Related Hereditary Paraganglioma-Pheochromocytoma Syndrome; PHEOCHROMOCYTOMA, FAMILIAL EXTRAADRENAL. Identifiers: Orphanet 29072, MedGen C1861848, MONDO:0007273, OMIM 115310.
Gastrointestinal stromal tumor. Also called: Gastrointestinal stroma tumor; Gastrointestinal stromal tumor, somatic. Identifiers: Orphanet 44890, MedGen C0238198, MeSH D046152, MONDO:0011719, OMIM 606764, HP:0100723.

Submissions (2):

Labcorp Genetics (formerly Invitae), Labcorp
Classification: Uncertain significance for Gastrointestinal stromal tumor; Pheochromocytoma/paraganglioma syndrome 4; Pheochromocytoma. Last evaluated: 2025-12-28. Review status: criteria provided, single submitter. Criteria: Invitae Variant Classification Sherloc (09022015). Collection method: clinical testing. Allele origin: germline.
Comment: This sequence change falls in intron 6 of the SDHB gene. It does not directly change the encoded amino acid sequence of the SDHB protein. This variant is not present in population databases (gnomAD no frequency). This variant has not been reported in the literature in individuals affected with SDHB-related conditions. ClinVar contains an entry for this variant (Variation ID: 450469). Algorithms developed to predict the effect of sequence changes on RNA splicing suggest that this variant may disrupt the consensus splice site. In summary, the available evidence is currently insufficient to determine the role of this variant in disease. Therefore, it has been classified as a Variant of Uncertain Significance.

GeneDx
Classification: Uncertain significance. Last evaluated: 2017-07-20. Review status: criteria provided, single submitter. Criteria: GeneDx Variant Classification (06012015). Collection method: clinical testing. Allele origin: germline. Affected: yes.
Comment: The c.643-10G>A variant in the SDHB gene has not, to our knowledge, been published in the literature as pathogenic or benign. This variant was not observed in large population cohorts (NHLBI Exome Sequencing Project, The 1000 Genomes Consortium 2015, Lek 2016). Multiple in silico models predict this variant to destroy the nearby natural acceptor site and to possibly cause abnormal gene splicing; however, in the absence of RNA or functional studies, the actual effect of this variant is unknown. The guanine (G) nucleotide that is altered is not conserved. Based on currently available information, we consider c.643-10G>A to be a variant of uncertain significance.